The following is an entry in ClinVar:

ClinVar aggregate classification (germline): Pathogenic (1 of 4 stars; one submission).

Conditions:
Bryant-Li-Bhoj neurodevelopmental syndrome 1 (BRYLIB1). Identifiers: MedGen C5676905, MONDO:0030606, OMIM 619720.

Submission:

Victorian Clinical Genetics Services, Murdoch Childrens Research Institute
Classification: Pathogenic for Bryant-Li-Bhoj neurodevelopmental syndrome 1. Last evaluated: 2022-02-02. Review status: criteria provided, single submitter. Criteria: ACMG Guidelines, 2015. Collection method: clinical testing. Allele origin: germline. Inheritance: Autosomal dominant inheritance. Affected: yes.
Comment: Based on the classification scheme VCGS_Germline_v1.3.4, this variant is classified as Pathogenic. Following criteria are met: 0105 - The mechanism of disease for this gene is not clearly established. (I) 0107 - This gene is associated with autosomal dominant disease. (I) 0115 - Variants in this gene are known to have variable expressivity. Affected individuals displayed varying degrees of developmental delay (PMID: 33268356). (I) 0200 - Variant is predicted to result in a missense amino acid change from methionine to threonine. (I) 0251 - This variant is heterozygous. (I) 0301 - Variant is absent from gnomAD (both v2 and v3). (SP) 0309 - An alternative amino acid change at the same position has been observed in gnomAD (v2: 1 heterozygote, 0 homozygotes). (I) 0502 - Missense variant with conflicting in silico predictions and uninformative conservation. (I) 0602 - Variant is located in a hotspot region or cluster of pathogenic variants (PMID: 33268356). (SP) 0703 - Other missense variants comparable to the one identified in this case have moderate previous evidence for pathogenicity. p.(Met121Lys) and p.(Met121Ile) have been reported de novo in two individuals with progressive neurologic dysfunction and congenital anomalies (PMID: 33268356). (SP) 0807 - This variant has no previous evidence of pathogenicity. (I) 0905 - No published segregation evidence has been identified for this variant. (I) 1007 - No published functional evidence has been identified for this variant. (SP) Legend: (SP) - Supporting pathogenic, (I) - Information, (SB) - Supporting benign

Literature cited by the submitters: PubMed 33268356.

NM_002107.7(H3-3A):c.362T>C (p.Met121Thr)

Gene: H3-3A (H3.3 histone A; plus strand). Cytogenetic location: 1q42.12.
Variant type: single nucleotide variant.
Coding change: c.362T>C on transcript NM_002107.7 (MANE Select); coding-DNA position 362, T replaced by C.
Protein change: p.Met121Thr; replaces methionine 121 with threonine.
Molecular consequence: missense variant.
Genome position (GRCh38, 1-based): chr1:226,071,430, T>C. VCF-style: chr1-226071430-T-C. GRCh37 (hg19) VCF-style: chr1-226259131-T-C.
Other names: c.362T>C, p.Met121Thr (NM_001379043.1, NM_001379045.1, NM_001379046.1 and 1 more transcripts); short protein forms M121T.
Identifiers: ClinVar variation 3376608 (VCV003376608.1).
Genomic context (GRCh38, chr1:226,071,430, plus strand): 5'-TGGTTGGCCTTTTTGAAGACACCAACCTGTGTGCTATCCATGCCAAACGTGTAACAATTA[T>C]GCCAAAAGACATCCAGCTAGCACGCCGCATACGTGGAGAACGTGCTTAAGAATCCACTAT-3'
Protein context (NP_002098.1, residues 111-131): CAIHAKRVTI[Met121Thr]PKDIQLARRI